The following is an entry in ClinVar:

ClinVar aggregate classification (germline): Uncertain significance (1 of 4 stars; one submission).

Conditions:
Wilms tumor 1 (WT1). Also called: Wilms tumor, somatic. Identifiers: Orphanet 654, MedGen CN033288, MONDO:0008679, OMIM 194070.

Submission:

Labcorp Genetics (formerly Invitae), Labcorp
Classification: Uncertain significance for Wilms tumor 1. Last evaluated: 2025-10-22. Review status: criteria provided, single submitter. Criteria: Invitae Variant Classification Sherloc (09022015). Collection method: clinical testing. Allele origin: germline.
Comment: This sequence change replaces isoleucine, which is neutral and non-polar, with valine, which is neutral and non-polar, at codon 237 of the GPC3 protein (p.Ile237Val). This variant is not present in population databases (gnomAD no frequency). This variant has not been reported in the literature in individuals affected with GPC3-related conditions. Invitae Evidence Modeling of protein sequence and biophysical properties (such as structural, functional, and spatial information, amino acid conservation, physicochemical variation, residue mobility, and thermodynamic stability) indicates that this missense variant is not expected to disrupt GPC3 protein function with a negative predictive value of 80%. In summary, the available evidence is currently insufficient to determine the role of this variant in disease. Therefore, it has been classified as a Variant of Uncertain Significance.

NM_004484.4(GPC3):c.709A>G (p.Ile237Val)

Gene: GPC3 (glypican 3; minus strand). Cytogenetic location: Xq26.2.
Variant type: single nucleotide variant.
Coding change: c.709A>G on transcript NM_004484.4 (MANE Select); coding-DNA position 709, A replaced by G.
Protein change: p.Ile237Val; replaces isoleucine 237 with valine.
Molecular consequence: missense variant.
Genome position (GRCh38, 1-based): chrX:133,753,805, T>C on the plus strand (A>G on the coding strand, the complement: GPC3 is on the minus strand). VCF-style: chrX-133753805-T-C. GRCh37 (hg19) VCF-style: chrX-132887832-T-C.
Other names: c.709A>G, p.Ile237Val (NM_001164617.2); c.661A>G, p.Ile221Val (NM_001164618.2); c.547A>G, p.Ile183Val (NM_001164619.2); short protein forms I183V, I221V, I237V.
Identifiers: ClinVar variation 4749683 (VCV004749683.1).